The following is an entry in ClinVar:

ClinVar aggregate classification (germline): Benign/Likely benign. Review status: criteria provided, multiple submitters, no conflicts (2 of 4 stars). 5 submissions from 5 submitters: Benign (4); Likely benign (1). Last evaluated 2026-01-27.

Conditions:
Cerebroretinal microangiopathy with calcifications and cysts 1 (CRMCC1). Identifiers: Orphanet 313838, MedGen C4552029, MONDO:0024564, OMIM 612199.
Dyskeratosis congenita. Identifiers: Orphanet 1775, MedGen C0265965, MONDO:0015780.

Allele frequency attached by ClinVar (database versions not stated): gnomAD exomes 0.00080 and 0.00227; ExAC 0.00394; 1000 Genomes Project 0.00499; 1000 Genomes Project 30x 0.00593; gnomAD 0.00899 and 0.00989; TOPMed 0.01041; ESP Exome Variant Server 0.01068.
gnomAD v4.1: 2,604 of 1,597,144 alleles (0.16%); highest among the groups gnomAD compares: African/African-American, 3.1%; 40 homozygotes.

Submissions (10):

Labcorp Genetics (formerly Invitae), Labcorp
Classification: Benign for Dyskeratosis congenita. Last evaluated: 2026-01-27. Review status: criteria provided, single submitter. Criteria: Invitae Variant Classification Sherloc (09022015). Collection method: clinical testing. Allele origin: germline.

ARUP Laboratories, Molecular Genetics and Genomics, ARUP Laboratories
Classification: Benign for Cerebroretinal microangiopathy with calcifications and cysts 1. Last evaluated: 2024-10-10. Review status: criteria provided, single submitter. Criteria: ARUP Molecular Germline Variant Investigation Process 2024. Collection method: clinical testing. Allele origin: germline.

Genome-Nilou Lab
Classification: Benign for Cerebroretinal microangiopathy with calcifications and cysts 1. Last evaluated: 2021-07-15. Review status: criteria provided, single submitter. Criteria: ACMG Guidelines, 2015. Collection method: clinical testing. Allele origin: germline. Affected: no.

GeneDx
Classification: Likely benign. Last evaluated: 2019-06-10. Review status: criteria provided, single submitter. Criteria: GeneDx Variant Classification Process June 2021. Collection method: clinical testing. Allele origin: germline. Affected: yes.

Illumina Laboratory Services, Illumina
Classification: Benign for Dyskeratosis congenita. Last evaluated: 2018-01-13. Review status: criteria provided, single submitter. Criteria: ICSL Variant Classification Criteria 13 December 2019. Collection method: clinical testing. Allele origin: germline.
Comment: This variant was observed in the ICSL laboratory as part of a predisposition screen in an ostensibly healthy population. It had not been previously curated by ICSL or reported in the Human Gene Mutation Database (HGMD: prior to June 1st, 2018), and was therefore a candidate for classification through an automated scoring system. Utilizing variant allele frequency, disease prevalence and penetrance estimates, and inheritance mode, an automated score was calculated to assess if this variant is too frequent to cause the disease. Based on the score and internal cut-off values, a variant classified as benign is not then subjected to further curation. The score for this variant resulted in a classification of benign for this disease.

Dr. Peter K. Rogan Lab, Western University
No classification provided (evidence only). Condition: Uterine corpus endometrial carcinoma. Review status: no classification provided. Collection method: in vitro. Allele origin: not applicable. Functional consequence: skipped exon. Not counted in ClinVar's aggregate classification.

Dr. Peter K. Rogan Lab, Western University
No classification provided (evidence only). Condition: Uterine corpus endometrial carcinoma. Review status: no classification provided. Collection method: in vitro. Allele origin: not applicable. Functional consequence: skipped exon. Not counted in ClinVar's aggregate classification.

Dr. Peter K. Rogan Lab, Western University
No classification provided (evidence only). Condition: Uterine corpus endometrial carcinoma. Review status: no classification provided. Collection method: in vitro. Allele origin: not applicable. Functional consequence: retained intron. Not counted in ClinVar's aggregate classification.

Dr. Peter K. Rogan Lab, Western University
No classification provided (evidence only). Condition: Sarcoma. Review status: no classification provided. Collection method: in vitro. Allele origin: not applicable. Functional consequence: skipped exon. Not counted in ClinVar's aggregate classification.

Dr. Peter K. Rogan Lab, Western University
No classification provided (evidence only). Condition: Thymoma. Review status: no classification provided. Collection method: in vitro. Allele origin: not applicable. Functional consequence: retained intron. Not counted in ClinVar's aggregate classification.

NM_025099.6(CTC1):c.197+15C>T

Gene: CTC1 (CST telomere replication complex component 1; minus strand). Cytogenetic location: 17p13.1.
Variant type: single nucleotide variant.
Coding change: c.197+15C>T on transcript NM_025099.6 (MANE Select); 15 bases into the intron after coding-DNA position 197, C replaced by T.
Molecular consequence: intron variant.
Genome position (GRCh38, 1-based): chr17:8,242,970, G>A on the plus strand (C>T on the coding strand, the complement: CTC1 is on the minus strand). VCF-style: chr17-8242970-G-A. GRCh37 (hg19) VCF-style: chr17-8146288-G-A.
Identifiers: ClinVar variation 889730 (VCV000889730.18), dbSNP rs111473388, ClinGen allele CA8372695.